The following is an entry in ClinVar:

NM_005027.4(PIK3R2):c.772CCG[3] (p.Pro261del)

Genes: PIK3R2 (phosphoinositide-3-kinase regulatory subunit 2; plus strand), LOC130063979 (ATAC-STARR-seq lymphoblastoid silent region 10375; plus strand). Cytogenetic location: 19p13.11.
Variant type: Microsatellite.
Coding change: c.772CCG[3] on transcript NM_005027.4 (MANE Select); three copies in a row of the 3-base unit CCG starting at c.772; the reference has four copies in a row; one copy, 3 bases deleted.
Protein change: p.Pro261del; deletes proline 261.
Molecular consequence: inframe deletion. On other transcripts: non-coding transcript variant (1).
Genome position (GRCh38, 1-based): chr19:18,161,461-18,161,463, CCG deleted; deleting any 3 consecutive bases within chr19:18,161,450-18,161,463 gives the same sequence; the position shown is the placement nearest the transcript's 3' end. VCF-style (leftmost placement, unchanged base first): chr19-18161449-GCGC-G. GRCh37 (hg19) VCF-style: chr19-18272259-GCGC-G.
Other names: short protein forms P261del.
Identifiers: ClinVar variation 591729 (VCV000591729.5), dbSNP rs1173823214, ClinGen allele CA632137145.
Genomic context (GRCh38, chr19:18,161,449, plus strand): 5'-CCGGCCCTGGGTCCCGCGGTCCGGGCCCTGGGCGCCACCTTTGGGCCGCTGCTGCTGCGC[GCGC>G]CGCCGCCGCCGTCCTCGCCGCCGCCAGGGGGCGCTCCCGACGGGTGAGGGGCGGGGCGGA-3'

ClinVar aggregate classification (germline): Uncertain significance. Review status: criteria provided, multiple submitters, no conflicts (2 of 4 stars). 3 submissions from 3 submitters: Uncertain significance (2). 1 of the submissions does not count toward it. Last evaluated 2023-04-24.

Conditions:
Megalencephaly-polymicrogyria-postaxial polydactyly-hydrocephalus syndrome. Also called: MPPH Syndrome; MEG-PMG-MEGACC SYNDROME. Identifiers: Orphanet 83473, MedGen C1863924, MONDO:0019375.

Submissions (3):

Labcorp Genetics (formerly Invitae), Labcorp
Classification: Uncertain significance for Megalencephaly-polymicrogyria-postaxial polydactyly-hydrocephalus syndrome. Last evaluated: 2023-04-24. Review status: criteria provided, single submitter. Criteria: Invitae Variant Classification Sherloc (09022015). Collection method: clinical testing. Allele origin: germline.
Comment: In summary, the available evidence is currently insufficient to determine the role of this variant in disease. Therefore, it has been classified as a Variant of Uncertain Significance. Experimental studies and prediction algorithms are not available or were not evaluated, and the functional significance of this variant is currently unknown. This variant has not been reported in the literature in individuals affected with PIK3R2-related conditions. This variant is not present in population databases (gnomAD no frequency). This variant, c.781_783del, results in the deletion of 1 amino acid(s) of the PIK3R2 protein (p.Pro261del), but otherwise preserves the integrity of the reading frame.

Blueprint Genetics
Classification: Uncertain significance. Last evaluated: 2021-08-19. Review status: criteria provided, single submitter. Criteria: ACMG Guidelines, 2015. Collection method: clinical testing. Allele origin: germline.

Gharavi Laboratory, Columbia University
Classification: Uncertain significance. Last evaluated: 2018-09-16. Review status: no assertion criteria provided. Criteria: ACMG Guidelines, 2015. Collection method: research. Allele origin: germline. Affected: yes. Not counted in ClinVar's aggregate classification.